The following is an entry in ClinVar:

NM_000443.4(ABCB4):c.148G>A (p.Asp50Asn)

Gene: ABCB4 (ATP binding cassette subfamily B member 4; minus strand). Cytogenetic location: 7q21.12.
Variant type: single nucleotide variant.
Coding change: c.148G>A on transcript NM_000443.4 (MANE Select); coding-DNA position 148, G replaced by A.
Protein change: p.Asp50Asn; replaces aspartic acid 50 with asparagine.
Molecular consequence: missense variant.
Genome position (GRCh38, 1-based): chr7:87,462,896, C>T on the plus strand (G>A on the coding strand, the complement: ABCB4 is on the minus strand). VCF-style: chr7-87462896-C-T. GRCh37 (hg19) VCF-style: chr7-87092212-C-T.
Other names: c.148G>A, p.Asp50Asn (NM_018849.3, NM_018850.3); c.148G>A (NM_000443.3); short protein forms D50N.
Identifiers: ClinVar variation 3366787 (VCV003366787.3).

ClinVar aggregate classification (germline): Uncertain significance. Review status: criteria provided, multiple submitters, no conflicts (2 of 4 stars). 3 submissions from 3 submitters: Uncertain significance (3). Last evaluated 2026-04-14.

Conditions:
Low phospholipid associated cholelithiasis (GBD1). Also called: Gallbladder disease 1; Gallstone cholecystitis. Identifiers: Orphanet 69663, MedGen C2609268, MONDO:0010939, OMIM 600803.
ABCB4-related disorder. Also called: ABCB4-related disorders; ABCB4-related condition.

gnomAD v4.1: 16 of 1,613,598 alleles (0.00099%); highest among the groups gnomAD compares: Admixed American, 0.005%; no homozygotes.

Submissions (3):

Genomenon, Inc
Classification: Uncertain significance for Low phospholipid associated cholelithiasis. Last evaluated: 2026-04-14. Review status: criteria provided, single submitter. Criteria: Genomenon Sequence Variant Interpretation Standards - Updated. Collection method: curation. Allele origin: germline. Affected: yes.
Comment: ABCB4 p.Asp50Asn (c.148G>A) is a missense variant that changes the amino acid at residue 50 from Aspartic acid to Asparagine. This variant has been observed in at least one proband with an ABCB4-related disorder (PMID:32650689). The variant was found to segregate with disease in at least one affected family (PMID:32650689). It is absent or not present at a significant frequency in gnomAD. In silico models predict that this variant is not damaging. In conclusion, we classify ABCB4 p.Asp50Asn (c.148G>A) as a variant of uncertain significance.

PreventionGenetics, part of Exact Sciences
Classification: Uncertain significance for ABCB4-related condition. Last evaluated: 2026-03-06. Review status: criteria provided, single submitter. Criteria: ACMG Guidelines, 2015. Collection method: clinical testing. Allele origin: germline.
Comment: The ABCB4 c.148G>A variant is predicted to result in the amino acid substitution p.Asp50Asn. This variant, along with another missense ABCB4 variant, has been reported in two individuals with symptomatic cholelithiasis before age of 30 (Gouveia et al. 2020. PubMed ID: 32650689). This variant is reported in 0.00088% of alleles in individuals of European (Non-Finnish) descent in gnomAD. At this time, the clinical significance of this variant is uncertain due to the absence of conclusive functional and genetic evidence.

Women's Health and Genetics/Laboratory Corporation of America, LabCorp
Classification: Uncertain significance. Last evaluated: 2024-08-15. Review status: criteria provided, single submitter. Criteria: LabCorp Variant Classification Summary - May 2015. Collection method: clinical testing. Allele origin: germline.
Comment: Variant summary: ABCB4 c.148G>A (p.Asp50Asn) results in a conservative amino acid change in the encoded protein sequence. Four of five in-silico tools predict a benign effect of the variant on protein function. The variant allele was found at a frequency of 4e-06 in 251178 control chromosomes. The available data on variant occurrences in the general population are insufficient to allow any conclusion about variant significance. c.148G>A has been reported in the literature in individuals affected with cholestasis (example: Gouveia_2020). This report does not provide unequivocal conclusions about association of the variant with Familial Intrahepatic Cholestasis. To our knowledge, no experimental evidence demonstrating an impact on protein function has been reported. The following publication have been ascertained in the context of this evaluation (PMID: 32650689). No submitters have cited clinical-significance assessments for this variant to ClinVar. Based on the evidence outlined above, the variant was classified as uncertain significance.

Literature cited by the submitters: PubMed 32650689 (cited by Genomenon, Inc and Women's Health and Genetics/Laboratory Corporation of America, LabCorp).